The following is an entry in ClinVar:

ClinVar aggregate classification (germline): Benign (1 of 4 stars; one submission).

Conditions:
Hypoparathyroidism, deafness, renal disease syndrome (HDRS). Also called: HYPOPARATHYROIDISM, SENSORINEURAL DEAFNESS, AND RENAL DYSPLASIA SYNDROME. Identifiers: Orphanet 2237, MedGen C1840333, MONDO:0007797, OMIM 146255.

Allele frequency attached by ClinVar (database versions not stated): gnomAD exomes 0.00012 and 0.00022; ESP Exome Variant Server 0.00015; TOPMed 0.00018; ExAC 0.00019; gnomAD 0.00019.
gnomAD v4.1: 229 of 1,612,994 alleles (0.014%); highest among the groups gnomAD compares: Non-Finnish European, 0.0027%; no homozygotes.

Submission:

Illumina Laboratory Services, Illumina
Classification: Benign for Hypoparathyroidism, deafness, renal disease syndrome. Last evaluated: 2018-01-13. Review status: criteria provided, single submitter. Criteria: ICSL Variant Classification Criteria 13 December 2019. Collection method: clinical testing. Allele origin: germline.
Comment: This variant was observed in the ICSL laboratory as part of a predisposition screen in an ostensibly healthy population. It had not been previously curated by ICSL or reported in the Human Gene Mutation Database (HGMD: prior to June 1st, 2018), and was therefore a candidate for classification through an automated scoring system. Utilizing variant allele frequency, disease prevalence and penetrance estimates, and inheritance mode, an automated score was calculated to assess if this variant is too frequent to cause the disease. Based on the score and internal cut-off values, a variant classified as benign is not then subjected to further curation. The score for this variant resulted in a classification of benign for this disease.

NM_001002295.2(GATA3):c.*22G>A

Gene: GATA3 (GATA binding protein 3; plus strand). Cytogenetic location: 10p14.
Variant type: single nucleotide variant.
Coding change: c.*22G>A on transcript NM_001002295.2 (MANE Select); 22 bases downstream of the stop codon, G replaced by A.
Molecular consequence: 3 prime UTR variant.
Genome position (GRCh38, 1-based): chr10:8,074,045, G>A. VCF-style: chr10-8074045-G-A. GRCh37 (hg19) VCF-style: chr10-8116008-G-A.
Other names: c.*22G>A (NM_002051.3).
Identifiers: ClinVar variation 880324 (VCV000880324.4), dbSNP rs199951165, ClinGen allele CA5404595.